The following is an entry in ClinVar:

ClinVar aggregate classification (germline): Uncertain significance (1 of 4 stars; one submission).

Conditions:
Hearing impairment. Also called: Impaired Hearing. Identifiers: MedGen C1384666, MONDO:0005365, HP:0000365.

Allele frequency attached by ClinVar (database versions not stated): gnomAD exomes 0.00001 and 0.00002; ExAC 0.00005; gnomAD 0.00015 and 0.00016; ESP Exome Variant Server 0.00022.
gnomAD v4.1: 54 of 1,551,384 alleles (0.0035%); highest among the groups gnomAD compares: African/African-American, 0.051%; no homozygotes.

Submission:

Department of Otolaryngology – Head & Neck Surgery, Cochlear Implant Center
Classification: Uncertain significance for Hearing impairment. Last evaluated: 2021-04-12. Review status: criteria provided, single submitter. Criteria: ClinGen HL ACMG Specifications v1. Collection method: clinical testing. Allele origin: germline. Affected: yes.
Comment: PM2_Moderate, PP3_Supporting

NM_001384474.1(LOXHD1):c.2987G>A (p.Arg996His)

Gene: LOXHD1 (lipoxygenase homology PLAT domains 1; minus strand). Cytogenetic location: 18q21.1.
Variant type: single nucleotide variant.
Coding change: c.2987G>A on transcript NM_001384474.1 (MANE Select); coding-DNA position 2987, G replaced by A.
Protein change: p.Arg996His; replaces arginine 996 with histidine.
Molecular consequence: missense variant.
Genome position (GRCh38, 1-based): chr18:46,560,157, C>T on the plus strand (G>A on the coding strand, the complement: LOXHD1 is on the minus strand). VCF-style: chr18-46560157-C-T. GRCh37 (hg19) VCF-style: chr18-44140120-C-T.
Other names: c.2987G>A, p.Arg996His (NM_144612.7); short protein forms R996H.
Identifiers: ClinVar variation 1064946 (VCV001064946.3), dbSNP rs370708358, ClinGen allele CA8952588.
Genomic context (GRCh38, chr18:46,560,157, plus strand): 5'-TTGCCAGCTGGCACCAACTCCACGACAAGTTCGTTGTCCTCCTTGCCCCGGGCCAGCCAG[C>T]GGTGGGCTTCGAACTTGTGCTGCTCAATCACCTCCTGCATCCCCGGCCCAAACTCCTCCT-3'
Protein context (NP_001371403.1, residues 986-1006): VIEQHKFEAH[Arg996His]WLARGKEDNE